The following is an entry in ClinVar:

ClinVar aggregate classification (germline): Benign. Review status: criteria provided, multiple submitters, no conflicts (2 of 4 stars). 3 submissions from 2 submitters: Benign (3). Last evaluated 2018-01-12.

Conditions:
GM1 gangliosidosis. Identifiers: Orphanet 354, MedGen C0085131, MONDO:0018149.
Mucopolysaccharidosis, MPS-IV-B (MPS4B). Also called: Mucopolysaccharidosis type IV B; Mucopolysaccharidosis Type IVB (Morquio B Disease); Mucopolysaccharidosis type 4B; Mucopolysaccharidosis type IVB (Morquio); MPS IVB; Mucopolysaccharidosis Type IVB. Identifiers: Orphanet 309310, Orphanet 582, MedGen C0086652, MONDO:0009660, OMIM 253010.

Allele frequency attached by ClinVar (database versions not stated): 1000 Genomes Project 30x 0.19238; 1000 Genomes Project 0.19828; TOPMed 0.21155; gnomAD 0.21789 and 0.22178; gnomAD exomes 0.25891.
gnomAD v4.1: 79,872 of 330,724 alleles (24%); highest among the groups gnomAD compares: Admixed American, 29%; 10,741 homozygotes.

Submissions (3):

Illumina Laboratory Services, Illumina
Classification: Benign for GM1 gangliosidosis. Last evaluated: 2018-01-12. Review status: criteria provided, single submitter. Criteria: ICSL Variant Classification Criteria 13 December 2019. Collection method: clinical testing. Allele origin: germline.
Comment: This variant was observed in the ICSL laboratory as part of a predisposition screen in an ostensibly healthy population. It had not been previously curated by ICSL or reported in the Human Gene Mutation Database (HGMD: prior to June 1st, 2018), and was therefore a candidate for classification through an automated scoring system. Utilizing variant allele frequency, disease prevalence and penetrance estimates, and inheritance mode, an automated score was calculated to assess if this variant is too frequent to cause the disease. Based on the score and internal cut-off values, a variant classified as benign is not then subjected to further curation. The score for this variant resulted in a classification of benign for this disease.

Illumina Laboratory Services, Illumina
Classification: Benign for Mucopolysaccharidosis, MPS-IV-B. Last evaluated: 2018-01-12. Review status: criteria provided, single submitter. Criteria: ICSL Variant Classification Criteria 13 December 2019. Collection method: clinical testing. Allele origin: germline.
Comment: the same text as in the submission from Illumina Laboratory Services, Illumina above.

Breakthrough Genomics
Classification: Benign. Review status: criteria provided, single submitter. Criteria: ACMG Guidelines, 2015. Collection method: not provided. Allele origin: germline. Inheritance: Autosomal recessive inheritance. Affected: yes.

NM_000404.4(GLB1):c.*354T>C

Gene: GLB1 (galactosidase beta 1; minus strand). Cytogenetic location: 3p22.3.
Variant type: single nucleotide variant.
Coding change: c.*354T>C on transcript NM_000404.4 (MANE Select); 354 bases downstream of the stop codon, T replaced by C.
Molecular consequence: 3 prime UTR variant. On other transcripts: intron variant (1).
Genome position (GRCh38, 1-based): chr3:32,996,691, A>G on the plus strand (T>C on the coding strand, the complement: GLB1 is on the minus strand). VCF-style: chr3-32996691-A-G. GRCh37 (hg19) VCF-style: chr3-33038183-A-G.
Other names: c.*354T>C (NM_001079811.3, NM_001135602.3, NM_001317040.2); c.1734+17365T>C (NM_001393580.1).
Identifiers: ClinVar variation 344778 (VCV000344778.6), dbSNP rs12167, ClinGen allele CA10615626.